The following is an entry in ClinVar:

NM_018417.6(ADCY10):c.4175T>C (p.Val1392Ala)

Gene: ADCY10 (adenylate cyclase 10; minus strand). Cytogenetic location: 1q24.2.
Variant type: single nucleotide variant.
Coding change: c.4175T>C on transcript NM_018417.6 (MANE Select); coding-DNA position 4175, T replaced by C.
Protein change: p.Val1392Ala; replaces valine 1392 with alanine.
Molecular consequence: missense variant.
Genome position (GRCh38, 1-based): chr1:167,822,135, A>G on the plus strand (T>C on the coding strand, the complement: ADCY10 is on the minus strand). VCF-style: chr1-167822135-A-G. GRCh37 (hg19) VCF-style: chr1-167791373-A-G.
Other names: c.3716T>C, p.Val1239Ala (NM_001167749.3); c.3899T>C, p.Val1300Ala (NM_001297772.2); short protein forms V1239A, V1300A, V1392A.
Identifiers: ClinVar variation 2181300 (VCV002181300.5), dbSNP rs774417777, ClinGen allele CA1227118.

ClinVar aggregate classification (germline): Uncertain significance. Review status: criteria provided, multiple submitters, no conflicts (2 of 4 stars). 2 submissions from 2 submitters: Uncertain significance (2). Last evaluated 2024-04-08.

Allele frequency attached by ClinVar (database versions not stated): ExAC 0.00001; gnomAD 0.00001; gnomAD exomes 0.00001; TOPMed 0.00001.
gnomAD v4.1: 11 of 1,567,450 alleles (0.0007%); highest among the groups gnomAD compares: Non-Finnish European, 0.00097%; no homozygotes.

Submissions (2):

Ambry Genetics
Classification: Uncertain significance. Last evaluated: 2024-04-08. Review status: criteria provided, single submitter. Criteria: Ambry Variant Classification Scheme 2023. Collection method: clinical testing. Allele origin: germline.

Labcorp Genetics (formerly Invitae), Labcorp
Classification: Uncertain significance. Last evaluated: 2022-03-27. Review status: criteria provided, single submitter. Criteria: Invitae Variant Classification Sherloc (09022015). Collection method: clinical testing. Allele origin: germline.
Comment: In summary, the available evidence is currently insufficient to determine the role of this variant in disease. Therefore, it has been classified as a Variant of Uncertain Significance. Algorithms developed to predict the effect of missense changes on protein structure and function are either unavailable or do not agree on the potential impact of this missense change (SIFT: "Deleterious"; PolyPhen-2: "Benign"; Align-GVGD: "Class C0"). This variant has not been reported in the literature in individuals affected with ADCY10-related conditions. This variant is present in population databases (rs774417777, gnomAD 0.0009%). This sequence change replaces valine, which is neutral and non-polar, with alanine, which is neutral and non-polar, at codon 1392 of the ADCY10 protein (p.Val1392Ala).